The following is an entry in ClinVar:

NM_000116.5(TAFAZZIN):c.299C>T (p.Ala100Val)

Gene: TAFAZZIN (tafazzin, phospholipid-lysophospholipid transacylase; plus strand). Cytogenetic location: Xq28.
Variant type: single nucleotide variant.
Coding change: c.299C>T on transcript NM_000116.5 (MANE Select); coding-DNA position 299, C replaced by T.
Protein change: p.Ala100Val; replaces alanine 100 with valine.
Molecular consequence: missense variant. On other transcripts: non-coding transcript variant (1).
Genome position (GRCh38, 1-based): chrX:154,413,496, C>T. VCF-style: chrX-154413496-C-T. GRCh37 (hg19) VCF-style: chrX-153641833-C-T.
Other names: c.353C>T, p.Ala118Val (NM_001303465.2); c.299C>T, p.Ala100Val (NM_181311.4, NM_181312.4, NM_181313.4); short protein forms A100V, A118V.
Identifiers: ClinVar variation 568764 (VCV000568764.9), dbSNP rs1569552722, ClinGen allele CA415181024.
Genomic context (GRCh38, chrX:154,413,496, plus strand): 5'-GAGCGGGGTGCAGGGGGCAGGACTAATTGCATCTGTCCCTGCTTAGGACCCCTGCAGCTG[C>T]AGACATCTGCTTCACCAAGGAGCTACACTCCCACTTCTTCAGCTTGGGCAAGTGTGTGCC-3'
Protein context (NP_000107.1, residues 90-110): LKLMRWTPAA[Ala100Val]DICFTKELHS

ClinVar aggregate classification (germline): Uncertain significance. Review status: criteria provided, multiple submitters, no conflicts (2 of 4 stars). 3 submissions from 3 submitters: Uncertain significance (3). Last evaluated 2022-05-27.

Conditions:
Cardiovascular phenotype. Identifiers: MedGen CN230736.
3-Methylglutaconic aciduria type 2 (BTHS). Also called: CARDIOSKELETAL MYOPATHY WITH NEUTROPENIA AND ABNORMAL MITOCHONDRIA; Barth syndrome. Identifiers: Orphanet 111, MedGen C0574083, MONDO:0010543, OMIM 302060.

Allele frequency attached by ClinVar (database versions not stated): gnomAD exomes below 0.00001.

Submissions (3):

Labcorp Genetics (formerly Invitae), Labcorp
Classification: Uncertain significance for 3-Methylglutaconic aciduria type 2. Last evaluated: 2022-05-27. Review status: criteria provided, single submitter. Criteria: Invitae Variant Classification Sherloc (09022015). Collection method: clinical testing. Allele origin: germline.
Comment: This sequence change replaces alanine, which is neutral and non-polar, with valine, which is neutral and non-polar, at codon 100 of the TAZ protein (p.Ala100Val). This variant is not present in population databases (gnomAD no frequency). This variant has not been reported in the literature in individuals affected with TAZ-related conditions. ClinVar contains an entry for this variant (Variation ID: 568764). Algorithms developed to predict the effect of missense changes on protein structure and function are either unavailable or do not agree on the potential impact of this missense change (SIFT: "Tolerated"; PolyPhen-2: "Possibly Damaging"; Align-GVGD: "Class C0"). In summary, the available evidence is currently insufficient to determine the role of this variant in disease. Therefore, it has been classified as a Variant of Uncertain Significance.

Ambry Genetics
Classification: Uncertain significance for Cardiovascular phenotype. Last evaluated: 2020-12-28. Review status: criteria provided, single submitter. Criteria: Ambry Variant Classification Scheme 2023. Collection method: clinical testing. Allele origin: germline.
Comment: The p.A100V variant (also known as c.299C>T), located in coding exon 4 of the TAZ gene, results from a C to T substitution at nucleotide position 299. The alanine at codon 100 is replaced by valine, an amino acid with similar properties. This amino acid position is well conserved in available vertebrate species. In addition, the in silico prediction for this alteration is inconclusive. Since supporting evidence is limited at this time, the clinical significance of this alteration remains unclear.

Mayo Clinic Laboratories, Mayo Clinic
Classification: Uncertain significance. Last evaluated: 2020-09-09. Review status: criteria provided, single submitter. Criteria: ACMG Guidelines, 2015. Collection method: clinical testing. Allele origin: germline. Observed: 1 variant allele.